The following is an entry in ClinVar:

NM_032119.4(ADGRV1):c.13897C>A (p.Gln4633Lys)

Gene: ADGRV1 (adhesion G protein-coupled receptor V1; plus strand). Cytogenetic location: 5q14.3.
Variant type: single nucleotide variant.
Coding change: c.13897C>A on transcript NM_032119.4 (MANE Select); coding-DNA position 13897, C replaced by A.
Protein change: p.Gln4633Lys; replaces glutamine 4633 with lysine.
Molecular consequence: missense variant. On other transcripts: non-coding transcript variant (1).
Genome position (GRCh38, 1-based): chr5:90,789,705, C>A. VCF-style: chr5-90789705-C-A. GRCh37 (hg19) VCF-style: chr5-90085522-C-A.
Other names: short protein forms Q4633K.
Identifiers: ClinVar variation 2862064 (VCV002862064.3), dbSNP rs1338081758, ClinGen allele CA360398374.

ClinVar aggregate classification (germline): Uncertain significance (1 of 4 stars; one submission).

Submission:

Labcorp Genetics (formerly Invitae), Labcorp
Classification: Uncertain significance. Last evaluated: 2023-10-16. Review status: criteria provided, single submitter. Criteria: Invitae Variant Classification Sherloc (09022015). Collection method: clinical testing. Allele origin: germline.
Comment: This sequence change replaces glutamine, which is neutral and polar, with lysine, which is basic and polar, at codon 4633 of the ADGRV1 protein (p.Gln4633Lys). This variant is not present in population databases (gnomAD no frequency). This variant has not been reported in the literature in individuals affected with ADGRV1-related conditions. Advanced modeling of protein sequence and biophysical properties (such as structural, functional, and spatial information, amino acid conservation, physicochemical variation, residue mobility, and thermodynamic stability) performed at Invitae indicates that this missense variant is not expected to disrupt ADGRV1 protein function. In summary, the available evidence is currently insufficient to determine the role of this variant in disease. Therefore, it has been classified as a Variant of Uncertain Significance.